The following is an entry in ClinVar:

NM_174936.4(PCSK9):c.717C>T (p.Ala239=)

Gene: PCSK9 (proprotein convertase subtilisin/kexin type 9; plus strand). Cytogenetic location: 1p32.3.
Variant type: single nucleotide variant.
Coding change: c.717C>T on transcript NM_174936.4 (MANE Select); coding-DNA position 717, C replaced by T.
Protein change: p.Ala239=; no amino-acid change (alanine 239 retained).
Molecular consequence: synonymous variant. On other transcripts: non-coding transcript variant (8).
Genome position (GRCh38, 1-based): chr1:55,052,709, C>T. VCF-style: chr1-55052709-C-T. GRCh37 (hg19) VCF-style: chr1-55518382-C-T.
Other names: c.840C>T, p.Ala280= (NM_001407240.1); c.717C>T, p.Ala239= (NM_001407241.1, NM_001407244.1, NM_001407247.1); c.720C>T, p.Ala240= (NM_001407242.1); c.660C>T, p.Ala220= (NM_001407243.1); c.525C>T, p.Ala175= (NM_001407245.1); c.342C>T, p.Ala114= (NM_001407246.1).
Identifiers: ClinVar variation 1455601 (VCV001455601.13), dbSNP rs370145766, ClinGen allele CA044102.

ClinVar aggregate classification (germline): Likely benign. Review status: criteria provided, multiple submitters, no conflicts (2 of 4 stars). 5 submissions from 5 submitters: Likely benign (5). Last evaluated 2026-01-16.

Conditions:
Cardiovascular phenotype. Identifiers: MedGen CN230736.
Familial hypercholesterolemia. Also called: Familial hypercholesterolaemia; Familial hypercholesterolemias. Identifiers: MedGen C0020445, MONDO:0005439.
Hypercholesterolemia, autosomal dominant, 3 (FHCL3). Also called: PCSK9-Related Familial Hypercholesterolemia, Autosomal Dominant; Familial hypercholesterolemia 3; Familial Hypercholesterolemia, Autosomal Dominant, 3. Identifiers: MedGen C1863551, MONDO:0011369, OMIM 603776.

Allele frequency attached by ClinVar (database versions not stated): gnomAD exomes 0.00003 and 0.00005; gnomAD 0.00004 and 0.00005; TOPMed 0.00004; ExAC 0.00007; ESP Exome Variant Server 0.00008; 1000 Genomes Project 0.00020; 1000 Genomes Project 30x 0.00031.
gnomAD v4.1: 50 of 1,613,160 alleles (0.0031%); highest among the groups gnomAD compares: African/African-American, 0.016%; 1 homozygote.

Submissions (5):

Labcorp Genetics (formerly Invitae), Labcorp
Classification: Likely benign for Hypercholesterolemia, autosomal dominant, 3. Last evaluated: 2026-01-16. Review status: criteria provided, single submitter. Criteria: Invitae Variant Classification Sherloc (09022015). Collection method: clinical testing. Allele origin: germline.

GENinCode PLC
Classification: Likely benign for Familial hypercholesterolemia. Last evaluated: 2023-08-24. Review status: criteria provided, single submitter. Criteria: ACMG Guidelines, 2015. Collection method: clinical testing. Allele origin: germline.
Comment: This is a synonymous (silent) variant that is not predicted by SpliceAI to impact splicing. In addition, it occurs at a nucleotide that is not conserved. Therefore this variant has been classified as Likely Benign (BP4, BP7).

Color Diagnostics, LLC DBA Color Health
Classification: Likely benign for Familial hypercholesterolemia. Last evaluated: 2022-11-06. Review status: criteria provided, single submitter. Criteria: ACMG Guidelines, 2015. Collection method: clinical testing. Allele origin: germline.

Ambry Genetics
Classification: Likely benign for Cardiovascular phenotype. Last evaluated: 2021-02-03. Review status: criteria provided, single submitter. Criteria: Ambry Variant Classification Scheme 2023. Collection method: clinical testing. Allele origin: germline.

Breakthrough Genomics
Classification: Likely benign. Review status: criteria provided, single submitter. Criteria: ACMG Guidelines, 2015. Collection method: not provided. Allele origin: germline. Inheritance: Autosomal dominant inheritance. Affected: yes.